The following is an entry in ClinVar:

ClinVar aggregate classification (germline): Uncertain significance (1 of 4 stars; one submission).

Conditions:
Hereditary cancer-predisposing syndrome. Also called: Tumor predisposition; Hereditary Cancer Syndrome; Hereditary neoplastic syndrome; Neoplastic Syndromes, Hereditary. Identifiers: Orphanet 140162, MedGen C0027672, MeSH D009386, MONDO:0015356.

Submission:

Ambry Genetics
Classification: Uncertain significance for Hereditary cancer-predisposing syndrome. Last evaluated: 2024-05-22. Review status: criteria provided, single submitter. Criteria: Ambry Variant Classification Scheme 2023. Collection method: clinical testing. Allele origin: germline.
Comment: The p.H255R variant (also known as c.764A>G), located in coding exon 4 of the FLCN gene, results from an A to G substitution at nucleotide position 764. The histidine at codon 255 is replaced by arginine, an amino acid with highly similar properties. This amino acid position is highly conserved in available vertebrate species. In addition, this alteration is predicted to be deleterious by in silico analysis. Based on the available evidence, the clinical significance of this variant remains unclear.

NM_144997.7(FLCN):c.764A>G (p.His255Arg)

Gene: FLCN (folliculin; minus strand). Cytogenetic location: 17p11.2.
Variant type: single nucleotide variant.
Coding change: c.764A>G on transcript NM_144997.7 (MANE Select); coding-DNA position 764, A replaced by G.
Protein change: p.His255Arg; replaces histidine 255 with arginine.
Molecular consequence: missense variant.
Genome position (GRCh38, 1-based): chr17:17,222,516, T>C on the plus strand (A>G on the coding strand, the complement: FLCN is on the minus strand). VCF-style: chr17-17222516-T-C. GRCh37 (hg19) VCF-style: chr17-17125830-T-C.
Other names: c.818A>G, p.His273Arg (NM_001353229.2); c.764A>G, p.His255Arg (NM_001353230.2, NM_001353231.2, NM_144606.7); short protein forms H255R, H273R.
Identifiers: ClinVar variation 3279029 (VCV003279029.1).